The following is an entry in ClinVar:

NM_003070.5(SMARCA2):c.4461+3C>G

Gene: SMARCA2 (SWI/SNF related BAF chromatin remodeling complex subunit ATPase 2; plus strand). Cytogenetic location: 9p24.3.
Variant type: single nucleotide variant.
Coding change: c.4461+3C>G on transcript NM_003070.5 (MANE Select); 3 bases into the intron after coding-DNA position 4461, C replaced by G.
Molecular consequence: intron variant.
Genome position (GRCh38, 1-based): chr9:2,182,245, C>G. VCF-style: chr9-2182245-C-G. GRCh37 (hg19) VCF-style: chr9-2182245-C-G.
Other names: c.4407+3C>G (NM_139045.4); c.4233+3C>G (NM_001289397.2); c.4461+3C>G (NM_001289396.2); c.435+3C>G (NM_001289398.2); c.525+3C>G (NM_001289400.2); c.519+3C>G (NM_001289399.2).
Identifiers: ClinVar variation 982825 (VCV000982825.2), dbSNP rs1827087118, ClinGen allele CA1139660860.

ClinVar aggregate classification (germline): Likely benign. Review status: criteria provided, multiple submitters, no conflicts (2 of 4 stars). 2 submissions from 2 submitters: Likely benign (2). Last evaluated 2026-07-01.

Conditions:
Nicolaides-Baraitser syndrome (NCBRS). Also called: Intellectual disability-sparse hair-brachydactyly syndrome; SMARCA2-Related Nicolaides-Baraitser Syndrome. Identifiers: Orphanet 3051, MedGen C1303073, MONDO:0011053, OMIM 601358.

Allele frequency attached by ClinVar (database versions not stated): gnomAD exomes below 0.00001.
gnomAD v4.1: 1 of 1,583,724 alleles (0.000063%); highest among the groups gnomAD compares: Middle Eastern, 0.017%; no homozygotes.

Submissions (2):

CeGaT Center for Human Genetics Tuebingen
Classification: Likely benign. Last evaluated: 2026-07-01. Review status: criteria provided, single submitter. Criteria: CeGaT Center For Human Genetics Tuebingen Variant Classification Criteria Version 2. Collection method: clinical testing. Allele origin: germline. Affected: yes. Observed: 1 variant allele.
Comment: SMARCA2: BP4

Institute of Human Genetics, University of Leipzig Medical Center
Classification: Likely benign for Nicolaides-Baraitser syndrome. Last evaluated: 2019-01-01. Review status: criteria provided, single submitter. Criteria: ACMG Guidelines, 2015. Collection method: clinical testing. Allele origin: unknown. Affected: yes.
Comment: This variant was identified as compound heterozygous.